The following is an entry in ClinVar:

ClinVar aggregate classification (germline): Likely benign. Review status: criteria provided, single submitter (1 of 4 stars). 2 submissions from 2 submitters: Likely benign (1). 1 of the submissions does not count toward it. Last evaluated 2025-10-29.

Conditions:
CUL7-related disorder. Also called: CUL7-related condition.

Allele frequency attached by ClinVar (database versions not stated): gnomAD 0.00001; TOPMed 0.00002.
gnomAD v4.1: 36 of 1,614,030 alleles (0.0022%); highest among the groups gnomAD compares: South Asian, 0.031%; no homozygotes.

Submissions (2):

Labcorp Genetics (formerly Invitae), Labcorp
Classification: Likely benign. Last evaluated: 2025-10-29. Review status: criteria provided, single submitter. Criteria: Invitae Variant Classification Sherloc (09022015). Collection method: clinical testing. Allele origin: germline.

PreventionGenetics, part of Exact Sciences
Classification: Likely benign for CUL7-related condition. Last evaluated: 2021-07-06. Review status: no assertion criteria provided. Collection method: clinical testing. Allele origin: germline. Not counted in ClinVar's aggregate classification.
Comment: This variant is classified as likely benign based on ACMG/AMP sequence variant interpretation guidelines (Richards et al. 2015 PMID: 25741868, with internal and published modifications).

NM_014780.5(CUL7):c.711C>T (p.Phe237=)

Gene: CUL7 (cullin 7; minus strand). Cytogenetic location: 6p21.1.
Variant type: single nucleotide variant.
Coding change: c.711C>T on transcript NM_014780.5 (MANE Select); coding-DNA position 711, C replaced by T.
Protein change: p.Phe237=; no amino-acid change (phenylalanine 237 retained).
Molecular consequence: synonymous variant.
Genome position (GRCh38, 1-based): chr6:43,051,633, G>A on the plus strand (C>T on the coding strand, the complement: CUL7 is on the minus strand). VCF-style: chr6-43051633-G-A. GRCh37 (hg19) VCF-style: chr6-43019371-G-A.
Other names: c.807C>T, p.Phe269= (NM_001168370.2, NM_001374872.1); c.711C>T, p.Phe237= (NM_001374873.1, NM_001374874.1).
Identifiers: ClinVar variation 3060234 (VCV003060234.3), dbSNP rs200593675, ClinGen allele CA3814325.